The following is an entry in ClinVar:

NM_005862.3(STAG1):c.646A>G (p.Arg216Gly)

Gene: STAG1 (STAG1 cohesin complex component; minus strand). Cytogenetic location: 3q22.3.
Variant type: single nucleotide variant.
Coding change: c.646A>G on transcript NM_005862.3 (MANE Select); coding-DNA position 646, A replaced by G.
Protein change: p.Arg216Gly; replaces arginine 216 with glycine.
Molecular consequence: missense variant.
Genome position (GRCh38, 1-based): chr3:136,521,243, T>C on the plus strand (A>G on the coding strand, the complement: STAG1 is on the minus strand). VCF-style: chr3-136521243-T-C. GRCh37 (hg19) VCF-style: chr3-136240085-T-C.
Other names: short protein forms R216G.
Identifiers: ClinVar variation 437898 (VCV000437898.8), dbSNP rs1553738686, ClinGen allele CA354649836.

ClinVar aggregate classification (germline): Pathogenic/Likely pathogenic. Review status: criteria provided, multiple submitters, no conflicts (2 of 4 stars). 4 submissions from 4 submitters: Pathogenic (1); Likely pathogenic (1). 2 of the submissions do not count toward it. Last evaluated 2026-01-01.

Conditions:
STAG1-related disorder. Also called: STAG1-related disorders.
Intellectual developmental disorder, autosomal dominant 47. Also called: MENTAL RETARDATION, AUTOSOMAL DOMINANT 47; Intellectual disability, autosomal dominant 47. Identifiers: Orphanet 502434, MedGen C4539951, MONDO:0030912, OMIM 617635.

Submissions (4):

CeGaT Center for Human Genetics Tuebingen
Classification: Pathogenic. Last evaluated: 2026-01-01. Review status: criteria provided, single submitter. Criteria: CeGaT Center For Human Genetics Tuebingen Variant Classification Criteria Version 2. Collection method: clinical testing. Allele origin: germline. Affected: yes. Observed: 1 variant allele.
Comment: STAG1: PS2, PM2, PS4:Moderate, PP2, PP3

Institute of Medical Genetics and Applied Genomics, University Hospital Tübingen
Classification: Likely pathogenic for Intellectual developmental disorder, autosomal dominant 47. Last evaluated: 2023-11-30. Review status: criteria provided, single submitter. Criteria: ACMG Guidelines, 2015. Collection method: clinical testing. Allele origin: germline. Inheritance: Autosomal dominant inheritance. Affected: yes.

OMIM
Classification: Pathogenic for INTELLECTUAL DEVELOPMENTAL DISORDER, AUTOSOMAL DOMINANT 47. Last evaluated: 2022-04-25. Review status: no assertion criteria provided. Collection method: literature only. Allele origin: germline. Not counted in ClinVar's aggregate classification.

Equipe Genetique des Anomalies du Developpement, Université de Bourgogne
Classification: Likely pathogenic for STAG1-related disorder. Last evaluated: 2016-12-20. Review status: no assertion criteria provided. Collection method: clinical testing. Allele origin: de novo. Affected: yes. Not counted in ClinVar's aggregate classification.

Literature cited by the submitters: PubMed 28119487 (cited by OMIM).